The following is an entry in ClinVar:

ClinVar aggregate classification (germline): Uncertain significance (1 of 4 stars; one submission).

Conditions:
Arginase deficiency. Also called: ARGININEMIA; ARG1 DEFICIENCY; Arginase 1 Deficiency. Identifiers: Orphanet 90, MedGen C0268548, MONDO:0008814, OMIM 207800.

Submission:

Labcorp Genetics (formerly Invitae), Labcorp
Classification: Uncertain significance for Arginase deficiency. Last evaluated: 2018-05-09. Review status: criteria provided, single submitter. Criteria: Invitae Variant Classification Sherloc (09022015). Collection method: clinical testing. Allele origin: germline.
Comment: In summary, the available evidence is currently insufficient to determine the role of this variant in disease. Therefore, it has been classified as a Variant of Uncertain Significance. Algorithms developed to predict the effect of missense changes on protein structure and function do not agree on the potential impact of this missense change (SIFT: "Deleterious"; PolyPhen-2: "Probably Damaging"; Align-GVGD: "Class C15"). This variant has not been reported in the literature in individuals with ARG1-related disease. This variant is not present in population databases (ExAC no frequency). This sequence change replaces glycine with arginine at codon 257 of the ARG1 protein (p.Gly257Arg). The glycine residue is highly conserved and there is a moderate physicochemical difference between glycine and arginine.

NM_000045.4(ARG1):c.769G>C (p.Gly257Arg)

Genes: ARG1 (arginase 1; plus strand), MED23 (mediator complex subunit 23; minus strand). Cytogenetic location: 6q23.2.
Variant type: single nucleotide variant.
Coding change: c.769G>C on transcript NM_000045.4 (MANE Select); coding-DNA position 769, G replaced by C.
Protein change: p.Gly257Arg; replaces glycine 257 with arginine.
Molecular consequence: missense variant. On other transcripts: non-coding transcript variant (1), intron variant (2).
Genome position (GRCh38, 1-based): chr6:131,583,458, G>C. VCF-style: chr6-131583458-G-C. GRCh37 (hg19) VCF-style: chr6-131904598-G-C.
Other names: c.793G>C, p.Gly265Arg (NM_001244438.2); c.514G>C, p.Gly172Arg (NM_001369020.1); c.4077+4251C>G (NM_001270521.2); c.4095+4251C>G (NM_015979.4); short protein forms G257R, G265R, G172R.
Identifiers: ClinVar variation 582918 (VCV000582918.9), dbSNP rs372489226, ClinGen allele CA365653184.